The following is an entry in ClinVar:

NM_001042492.3(NF1):c.5856G>T (p.Trp1952Cys)

Gene: NF1 (neurofibromin 1; plus strand). Cytogenetic location: 17q11.2.
Variant type: single nucleotide variant.
Coding change: c.5856G>T on transcript NM_001042492.3 (MANE Select); coding-DNA position 5856, G replaced by T.
Protein change: p.Trp1952Cys; replaces tryptophan 1952 with cysteine.
Molecular consequence: missense variant.
Genome position (GRCh38, 1-based): chr17:31,334,881, G>T. VCF-style: chr17-31334881-G-T. GRCh37 (hg19) VCF-style: chr17-29661899-G-T.
Other names: c.5793G>T, p.Trp1931Cys (NM_000267.4); short protein forms W1931C, W1952C.
Identifiers: ClinVar variation 3572040 (VCV003572040.1).

ClinVar aggregate classification (germline): Likely pathogenic (1 of 4 stars; one submission).

Submission:

Quest Diagnostics Nichols Institute San Juan Capistrano
Classification: Likely pathogenic. Last evaluated: 2023-10-24. Review status: criteria provided, single submitter. Criteria: Quest Diagnostics criteria. Collection method: clinical testing. Allele origin: unknown.
Comment: The NF1 c.5793G>T (p.Trp1931Cys) variant has been reported in the published literature in an individual with NF1 (PMID: 17311297 (2007)). In addition, other missense variants at this codon have been reported in individuals with NF1 (PMID: 9101300 (1997), 16944272 (2007), 17311297 (2007), 23244495 (2012), 27838393 (2017), 29914388 (2018)). This variant has not been reported in large, multi-ethnic general populations (Genome Aggregation Database). Analysis of this variant using bioinformatics tools for the prediction of the effect of amino acid changes on protein structure and function yielded predictions that this variant is damaging. Based on the available information, this variant is classified as likely pathogenic.

Literature cited by the submitters: PubMed 17311297; PubMed 9101300; PubMed 16944272; PubMed 23244495; PubMed 27838393; PubMed 29914388.